The following is an entry in ClinVar:

ClinVar aggregate classification (germline): Pathogenic/Likely pathogenic. Review status: criteria provided, multiple submitters, no conflicts (2 of 4 stars). 2 submissions from 2 submitters: Pathogenic (1); Likely pathogenic (1). Last evaluated 2026-09-15.

Conditions:
Severe intellectual disability-poor language-strabismus-grimacing face-long fingers syndrome (GAND). Also called: GAND SYNDROME. Identifiers: Orphanet 363686, MedGen C3554448, MONDO:0014034, OMIM 615074.

Submissions (2):

Molecular Genetics laboratory, Necker Hospital
Classification: Likely pathogenic for Severe intellectual disability-poor language-strabismus-grimacing face-long fingers syndrome. Last evaluated: 2026-09-15. Review status: criteria provided, single submitter. Criteria: ACMG Guidelines (Richards and al, 2015). Collection method: clinical testing. Allele origin: de novo. Affected: yes. Observed: 1 variant allele.
Comment: SpliceAI predicted the creation of splice donor site (DG: 0.50) and the CADD phred score was 20.20 (PP3). Additionally, the predicted pseudoexon was detected by RNA-seq analysis in a fraction of reads. In summary, this deep intronic variant located in intron 7 of GATAD2B meets the criteria to be classified as likely pathogenic.

Wales Gene Park, Division Of Cancer and Genetics, Cardiff University
Classification: Pathogenic for Severe intellectual disability-poor language-strabismus-grimacing face-long fingers syndrome. Last evaluated: 2026-04-28. Review status: criteria provided, single submitter. Criteria: ACGS Best Practice Guidelines for Variant Classification in Rare Disease 2024. Collection method: research. Allele origin: de novo. Inheritance: Autosomal dominant inheritance. Affected: yes. Study: 100,000 Genomes Project (Wales).
Comment: De novo GATAD2B intronic variant detected by trio genome sequencing. SpliceAI predicted acceptor gain (score 0.74) at +99 bp and donor gain (score 0.50) at +2 bp. Not in gnomAD (v4.1.1). Phenotype consistent with gene but not highly specific and high genetic heterogeneity. RNA analysis of blood showed the c.1217-399C>T variant results in an aberrant transcript with an out-of-frame insertion of a pseudoexon, r.1216_1217ins1217-498_1217-401 p.(Lys407TrpfsTer28). Evidence codes: PVS1, PS2_supporting, PM2.

NM_020699.4(GATAD2B):c.1217-399C>T

Gene: GATAD2B (GATA zinc finger domain containing 2B; minus strand). Cytogenetic location: 1q21.3.
Variant type: single nucleotide variant.
Coding change: c.1217-399C>T on transcript NM_020699.4 (MANE Select); 399 bases into the intron before coding-DNA position 1217, C replaced by T.
Molecular consequence: intron variant.
Genome position (GRCh38, 1-based): chr1:153,813,851, G>A on the plus strand (C>T on the coding strand, the complement: GATAD2B is on the minus strand). VCF-style: chr1-153813851-G-A. GRCh37 (hg19) VCF-style: chr1-153786327-G-A.
Identifiers: ClinVar variation 4880192 (VCV004880192.2).